The following is an entry in ClinVar:

NM_001148.6(ANK2):c.6011C>G (p.Ser2004Cys)

Genes: ANK2 (ankyrin 2; plus strand), LOC126807136 (MED14-independent group 3 enhancer GRCh37_chr4:114274931-114276130; plus strand). Cytogenetic location: 4q26.
Variant type: single nucleotide variant.
Coding change: c.6011C>G on transcript NM_001148.6 (MANE Select); coding-DNA position 6011, C replaced by G.
Protein change: p.Ser2004Cys; replaces serine 2004 with cysteine.
Molecular consequence: missense variant. On other transcripts: intron variant (68).
Genome position (GRCh38, 1-based): chr4:113,354,629, C>G. VCF-style: chr4-113354629-C-G. GRCh37 (hg19) VCF-style: chr4-114275785-C-G.
Other names: c.5777C>G, p.Ser1926Cys (NM_001386142.1); c.2411C>G, p.Ser804Cys (NM_001386166.1); c.6152C>G, p.Ser2051Cys (NM_001386174.1); c.6128C>G, p.Ser2043Cys (NM_001386175.1); c.4411+4380C>G (NM_001386186.2, NM_001386148.2); c.4213+4380C>G (NM_001354269.3); c.4291+4380C>G (NM_001386187.2); c.4252+4380C>G (NM_001386147.1); and 35 more; short protein forms S2043C, S2004C, S804C, S1926C, S2051C.
Identifiers: ClinVar variation 2972755 (VCV002972755.3), dbSNP rs2505483403, ClinGen allele CA357922125.
Genomic context (GRCh38, chr4:113,354,629, plus strand): 5'-TTGAGGAAACCATGTCTGTTCGGGAGCTGATGAAGGCTTTCCAGTCAGGTCAGGACCCTT[C>G]TAAACATAAAACTGGACTCTTTGAGCACAAATCAGCAAAACAAAAGCAGCCACAAGAGAA-3'
Protein context (NP_001139.3, residues 1994-2014): MKAFQSGQDP[Ser2004Cys]KHKTGLFEHK

ClinVar aggregate classification (germline): Uncertain significance (1 of 4 stars; one submission).

Conditions:
Long QT syndrome (LQTS). Identifiers: MedGen C0023976, MeSH D008133, MONDO:0002442. Disease mechanism: loss of function. Inheritance: Various modes of inheritance.

Allele frequency attached by ClinVar (database versions not stated): gnomAD exomes below 0.00001.
gnomAD v4.1: 1 of 1,614,074 alleles (0.000062%); highest among the groups gnomAD compares: Non-Finnish European, 0.000085%; no homozygotes.

Submission:

Labcorp Genetics (formerly Invitae), Labcorp
Classification: Uncertain significance for Long QT syndrome. Last evaluated: 2023-11-01. Review status: criteria provided, single submitter. Criteria: Invitae Variant Classification Sherloc (09022015). Collection method: clinical testing. Allele origin: germline.
Comment: This sequence change replaces serine, which is neutral and polar, with cysteine, which is neutral and slightly polar, at codon 2004 of the ANK2 protein (p.Ser2004Cys). This variant is not present in population databases (gnomAD no frequency). This variant has not been reported in the literature in individuals affected with ANK2-related conditions. Advanced modeling of protein sequence and biophysical properties (such as structural, functional, and spatial information, amino acid conservation, physicochemical variation, residue mobility, and thermodynamic stability) performed at Invitae indicates that this missense variant is not expected to disrupt ANK2 protein function with a negative predictive value of 80%. In summary, the available evidence is currently insufficient to determine the role of this variant in disease. Therefore, it has been classified as a Variant of Uncertain Significance.